The following is an entry in ClinVar:

NM_004429.5(EFNB1):c.991G>A (p.Val331Ile)

Gene: EFNB1 (ephrin B1; plus strand). Cytogenetic location: Xq13.1.
Variant type: single nucleotide variant.
Coding change: c.991G>A on transcript NM_004429.5 (MANE Select); coding-DNA position 991, G replaced by A.
Protein change: p.Val331Ile; replaces valine 331 with isoleucine.
Molecular consequence: missense variant.
Genome position (GRCh38, 1-based): chrX:68,840,604, G>A. VCF-style: chrX-68840604-G-A. GRCh37 (hg19) VCF-style: chrX-68060447-G-A.
Other names: short protein forms V331I.
Identifiers: ClinVar variation 2969736 (VCV002969736.3), dbSNP rs376262683, ClinGen allele CA330858073.
Genomic context (GRCh38, chrX:68,840,604, plus strand): 5'-AACAACTACTGCCCCCACTATGAGAAGGTGAGTGGGGACTACGGGCACCCTGTCTACATC[G>A]TCCAAGAGATGCCGCCCCAGAGCCCGGCGAACATCTACTACAAGGTCTGAGTGCCCGGCA-3'
Protein context (NP_004420.1, residues 321-341): SGDYGHPVYI[Val331Ile]QEMPPQSPAN

ClinVar aggregate classification (germline): Uncertain significance (1 of 4 stars; one submission).

Submission:

Labcorp Genetics (formerly Invitae), Labcorp
Classification: Uncertain significance. Last evaluated: 2025-07-20. Review status: criteria provided, single submitter. Criteria: Invitae Variant Classification Sherloc (09022015). Collection method: clinical testing. Allele origin: germline.
Comment: This sequence change replaces valine, which is neutral and non-polar, with isoleucine, which is neutral and non-polar, at codon 331 of the EFNB1 protein (p.Val331Ile). This variant is not present in population databases (gnomAD no frequency). This variant has not been reported in the literature in individuals affected with EFNB1-related conditions. ClinVar contains an entry for this variant (Variation ID: 2969736). Invitae Evidence Modeling of protein sequence and biophysical properties (such as structural, functional, and spatial information, amino acid conservation, physicochemical variation, residue mobility, and thermodynamic stability) indicates that this missense variant is expected to disrupt EFNB1 protein function with a positive predictive value of 80%. In summary, the available evidence is currently insufficient to determine the role of this variant in disease. Therefore, it has been classified as a Variant of Uncertain Significance.